The following continues an entry in ClinVar:

NM_152419.3(HGSNAT):c.1843G>A (p.Ala615Thr)

Gene: HGSNAT. ClinVar aggregate classification (germline): Conflicting classifications of pathogenicity. Pathogenic (7); Likely pathogenic (3); Uncertain significance (5); Benign (2); Likely benign (5).

Submissions 28 to 29 of 29:

Department of Pathology and Laboratory Medicine, Sinai Health System
Classification: Likely benign. Review status: no assertion criteria provided. Collection method: clinical testing. Allele origin: unknown. Affected: yes. Study: The Canadian Open Genetics Repository (COGR). Not counted in ClinVar's aggregate classification.
Comment: The HGSNAT p.Ala615Thr variant was identified in 2 of 83 families with Mucopolysaccharidosis Type III (freq: 0.012), and was found as a complex allele with the HGSNAT p.W403C variant (Feldhammer_2009_PMID:19479962). Functional studies demonstrate that the p.A615T variant on its own does not affect HGSNAT protein function, however when found with the p.W403C variant there was a loss of HGSNAT protein activity (Feldhammer_2009_PMID:19479962; Fedele_2010_PMID:20583299). The p.A615T variant was also found as a homozygous variant in three affected members of a Dutch family with non-syndromic retinitis pigmentosa; all three affected family members were also heterozygous for another variant in the HGSNAT gene (p.G133A) (Haer-Wigman_2015_PMID:25859010). In a cohort of 722 individuals with inherited retinal disease, the p.A615T variant was identified in two patients with retinal dystrophy (freq: 0.001) (Carss_2017_PMID:28041643). The variant was identified in the following databases: dbSNP (ID: rs112029032), LOVD 3.0 and ClinVar (classified as benign by EGL Genetic Diagnostics, as likely benign by ARUP laboratories and Center for Pediatric Genomic Medicine, Children's Mercy Hospital and Clinics, as uncertain significance by CeGaT Praxis fuer Humangenetik Tuebingen and as likely pathogenic by NIHR Bioresource Rare Diseases, University of Cambridge). The variant was identified in control databases in 1119 of 277692 chromosomes (4 homozygous) at a frequency of 0.00403 increasing the likelihood this could be a low frequency benign variant (Genome Aggregation Database March 6, 2019, v2.1.1). The variant was observed in the following populations: Ashkenazi Jewish in 148 of 10188 chromosomes (freq: 0.01453), European (non-Finnish) in 691 of 127570 chromosomes (freq: 0.005417), European (Finnish) in 106 of 24896 chromosomes (freq: 0.004258), Other in 28 of 7056 chromosomes (freq: 0.003968), South Asian in 90 of 29666 chromosomes (freq: 0.003034), African in 23 of 24384 chromosomes (freq: 0.000943), Latino in 31 of 34504 chromosomes (freq: 0.000898), and East Asian in 2 of 19428 chromosomes (freq: 0.000103). The p.Ala615 residue is conserved in mammals but not in more distantly related organisms however four out of five computational analyses (PolyPhen-2, SIFT, AlignGVGD, BLOSUM, MutationTaster) do not suggest a high likelihood of impact to the protein; this information is not predictive enough to rule out pathogenicity. The variant occurs outside of the splicing consensus sequence and in silico or computational prediction software programs (SpliceSiteFinder, MaxEntScan, NNSPLICE, GeneSplicer) do not predict a difference in splicing. In summary, based on the above information the clinical significance of this variant cannot be determined with certainty at this time although we would lean towards a more benign role for this variant. This variant is classified as likely benign.

Genomics England Pilot Project, Genomics England
Classification: Pathogenic for Retinitis pigmentosa 73. Review status: no assertion criteria provided. Criteria: ACGS Guidelines, 2016. Collection method: clinical testing. Allele origin: germline. Affected: yes. Not counted in ClinVar's aggregate classification.

Literature cited by the submitters: PubMed 19479962 (cited by 7 submitters); PubMed 17033958 (cited by 8 submitters); PubMed 20583299 (cited by 7 submitters); PubMed 19823584 (cited by 5 submitters); PubMed 31228227 (cited by 3 submitters); PubMed 28981474 (cited by 4 submitters); PubMed 33576794 (cited by 4 submitters); PubMed 34795310 (cited by 5 submitters); PubMed 32770643 (cited by 6 submitters); PubMed 38219857 (cited by Women's Health and Genetics/Laboratory Corporation of America, LabCorp); PubMed 25859010 (cited by 5 submitters); PubMed 27608171 (cited by 5 submitters); PubMed 37592806 (cited by Victorian Clinical Genetics Services, Murdoch Childrens Research Institute and Ambry Genetics); PubMed 28518168 (cited by Ambry Genetics); PubMed 32461654 (cited by Ambry Genetics); PubMed 37798099 (cited by Ambry Genetics); PubMed 39062705 (cited by Ambry Genetics); PubMed 28041643 (cited by 4 submitters); PubMed 31456290 (cited by Mayo Clinic Laboratories, Mayo Clinic and Institute of Human Genetics, Univ. Regensburg, Univ. Regensburg); PubMed 32581362 (cited by Mayo Clinic Laboratories, Mayo Clinic and Institute of Human Genetics, Univ. Regensburg, Univ. Regensburg); PubMed 33578874 (cited by Mayo Clinic Laboratories, Mayo Clinic); PubMed 33851411 (cited by Mayo Clinic Laboratories, Mayo Clinic and Institute of Human Genetics, Univ. Regensburg, Univ. Regensburg); PubMed 34326763 (cited by Mayo Clinic Laboratories, Mayo Clinic and Institute of Human Genetics, Univ. Regensburg, Univ. Regensburg); PubMed 34580245 (cited by Mayo Clinic Laboratories, Mayo Clinic and Institute of Human Genetics, Univ. Regensburg, Univ. Regensburg); PubMed 34426522 (cited by Institute of Human Genetics, Univ. Regensburg, Univ. Regensburg); PubMed 34758253 (cited by Institute of Human Genetics, Univ. Regensburg, Univ. Regensburg); PubMed 36819107 (cited by Institute of Human Genetics, Univ. Regensburg, Univ. Regensburg); PubMed 34906470 (cited by Broad Center for Mendelian Genomics, Broad Institute of MIT and Harvard).